The following is an entry in ClinVar:

ClinVar aggregate classification (germline): Uncertain significance (1 of 4 stars; one submission).

Submission:

Labcorp Genetics (formerly Invitae), Labcorp
Classification: Uncertain significance. Last evaluated: 2021-11-27. Review status: criteria provided, single submitter. Criteria: Invitae Variant Classification Sherloc (09022015). Collection method: clinical testing. Allele origin: germline.
Comment: This sequence change replaces arginine, which is basic and polar, with glycine, which is neutral and non-polar, at codon 309 of the ADAMTSL4 protein (p.Arg309Gly). This variant is not present in population databases (gnomAD no frequency). This variant has not been reported in the literature in individuals affected with ADAMTSL4-related conditions. Algorithms developed to predict the effect of missense changes on protein structure and function are either unavailable or do not agree on the potential impact of this missense change (SIFT: "Deleterious"; PolyPhen-2: "Benign"; Align-GVGD: "Class C0"). In summary, the available evidence is currently insufficient to determine the role of this variant in disease. Therefore, it has been classified as a Variant of Uncertain Significance.

NM_019032.6(ADAMTSL4):c.925C>G (p.Arg309Gly)

Genes: ADAMTSL4 (ADAMTS like 4; plus strand), ADAMTSL4-AS2 (ADAMTSL4 antisense RNA 2; minus strand). Cytogenetic location: 1q21.2.
Variant type: single nucleotide variant.
Coding change: c.925C>G on transcript NM_019032.6 (MANE Select); coding-DNA position 925, C replaced by G.
Protein change: p.Arg309Gly; replaces arginine 309 with glycine.
Molecular consequence: missense variant.
Genome position (GRCh38, 1-based): chr1:150,553,916, C>G. VCF-style: chr1-150553916-C-G. GRCh37 (hg19) VCF-style: chr1-150526392-C-G.
Other names: c.925C>G, p.Arg309Gly (NM_001288607.2, NM_001288608.2, NM_001378596.1 and 1 more transcripts); short protein forms R309G.
Identifiers: ClinVar variation 1948528 (VCV001948528.2), dbSNP rs1221453238, ClinGen allele CA342302822.